The following is an entry in ClinVar:

NM_015102.5(NPHP4):c.1533G>A (p.Pro511=)

Gene: NPHP4 (nephrocystin 4; minus strand). Cytogenetic location: 1p36.31.
Variant type: single nucleotide variant.
Coding change: c.1533G>A on transcript NM_015102.5 (MANE Select); coding-DNA position 1533, G replaced by A.
Protein change: p.Pro511=; no amino-acid change (proline 511 retained).
Molecular consequence: synonymous variant. On other transcripts: non-coding transcript variant (1), intron variant (2).
Genome position (GRCh38, 1-based): chr1:5,907,193, C>T on the plus strand (G>A on the coding strand, the complement: NPHP4 is on the minus strand). VCF-style: chr1-5907193-C-T. GRCh37 (hg19) VCF-style: chr1-5967253-C-T.
Other names: c.76-1410G>A (NM_001291594.2); c.76-1413G>A (NM_001291593.2); c.1533G>A (NM_015102.4).
Identifiers: ClinVar variation 194253 (VCV000194253.17), dbSNP rs775251652, ClinGen allele CA240127.

ClinVar aggregate classification (germline): Conflicting classifications of pathogenicity. Review status: criteria provided, conflicting classifications (1 of 4 stars). 4 submissions from 4 submitters: Uncertain significance (1); Likely benign (3). Last evaluated 2025-04-30.

Conditions:
NPHP4-related disorder. Also called: NPHP4-related condition; NPHP4-related disorders. Identifiers: MedGen CN239384.
Nephronophthisis. Also called: Juvenile Nephronophthisis. Identifiers: Orphanet 655, MedGen C0687120, MONDO:0019005, HP:0000090.

Allele frequency attached by ClinVar (database versions not stated): gnomAD 0.00001 and 0.00003; ExAC 0.00002; TOPMed 0.00002; gnomAD exomes 0.00003.
gnomAD v4.1: 45 of 1,584,662 alleles (0.0028%); highest among the groups gnomAD compares: Middle Eastern, 0.017%; no homozygotes.

Submissions (4):

Labcorp Genetics (formerly Invitae), Labcorp
Classification: Likely benign for Nephronophthisis. Last evaluated: 2025-04-30. Review status: criteria provided, single submitter. Criteria: Invitae Variant Classification Sherloc (09022015). Collection method: clinical testing. Allele origin: germline.

PreventionGenetics, part of Exact Sciences
Classification: Likely benign for NPHP4-related condition. Last evaluated: 2025-04-26. Review status: criteria provided, single submitter. Criteria: ACMG Guidelines, 2015. Collection method: clinical testing. Allele origin: germline.
Comment: This variant is classified as likely benign based on ACMG/AMP sequence variant interpretation guidelines (Richards et al. 2015 PMID: 25741868, with internal and published modifications).

Blueprint Genetics
Classification: Likely benign. Last evaluated: 2022-03-18. Review status: criteria provided, single submitter. Criteria: ACMG Guidelines, 2015. Collection method: clinical testing. Allele origin: germline.

Eurofins Ntd Llc (ga)
Classification: Uncertain significance. Last evaluated: 2014-06-13. Review status: criteria provided, single submitter. Criteria: EGL Classification Definitions 2015. Collection method: clinical testing. Allele origin: germline. Observed: 1 variant allele, 1 heterozygote.